The following is an entry in ClinVar:

ClinVar aggregate classification (germline): Uncertain significance (1 of 4 stars; one submission).

Submission:

Labcorp Genetics (formerly Invitae), Labcorp
Classification: Uncertain significance. Last evaluated: 2023-05-27. Review status: criteria provided, single submitter. Criteria: Invitae Variant Classification Sherloc (09022015). Collection method: clinical testing. Allele origin: germline.
Comment: This variant has not been reported in the literature in individuals affected with KMT2A-related conditions. ClinVar contains an entry for this variant (Variation ID: 1369130). Advanced modeling of protein sequence and biophysical properties (such as structural, functional, and spatial information, amino acid conservation, physicochemical variation, residue mobility, and thermodynamic stability) performed at Invitae indicates that this missense variant is not expected to disrupt KMT2A protein function. In summary, the available evidence is currently insufficient to determine the role of this variant in disease. Therefore, it has been classified as a Variant of Uncertain Significance. This variant is not present in population databases (gnomAD no frequency). This sequence change replaces serine, which is neutral and polar, with asparagine, which is neutral and polar, at codon 1271 of the KMT2A protein (p.Ser1271Asn).

NM_001197104.2(KMT2A):c.3812G>A (p.Ser1271Asn)

Gene: KMT2A (lysine methyltransferase 2A; plus strand). Cytogenetic location: 11q23.3.
Variant type: single nucleotide variant.
Coding change: c.3812G>A on transcript NM_001197104.2 (MANE Select); coding-DNA position 3812, G replaced by A.
Protein change: p.Ser1271Asn; replaces serine 1271 with asparagine.
Molecular consequence: missense variant.
Genome position (GRCh38, 1-based): chr11:118,481,892, G>A. VCF-style: chr11-118481892-G-A. GRCh37 (hg19) VCF-style: chr11-118352607-G-A.
Other names: c.3812G>A, p.Ser1271Asn (NM_005933.4); short protein forms S1271N.
Identifiers: ClinVar variation 1369130 (VCV001369130.8), dbSNP rs2134300366, ClinGen allele CA382828041.